The following is an entry in ClinVar:

NM_031443.4(CCM2):c.1046del (p.Leu349fs)

Gene: CCM2 (CCM2 scaffold protein; plus strand). Cytogenetic location: 7p13.
Variant type: Deletion.
Coding change: c.1046del on transcript NM_031443.4 (MANE Select); coding-DNA position 1046, one base deleted (T; older notation c.1046delT).
Protein change: p.Leu349fs; shifts the reading frame from leucine 349.
Molecular consequence: frameshift variant. On other transcripts: non-coding transcript variant (1).
Genome position (GRCh38, 1-based): chr7:45,074,400, T deleted. VCF-style (leftmost placement, unchanged base first): chr7-45074399-CT-C. GRCh37 (hg19) VCF-style: chr7-45113998-CT-C.
Other names: c.1109del, p.Leu370fs (NM_001029835.2); c.872del, p.Leu291fs (NM_001167934.2); c.773del, p.Leu258fs (NM_001167935.2); c.1169del, p.Leu390fs (NM_001363458.2); c.995del, p.Leu332fs (NM_001363459.2); short protein forms L258fs, L291fs, L370fs, L390fs, L332fs, L349fs.
Identifiers: ClinVar variation 4722188 (VCV004722188.1).

ClinVar aggregate classification (germline): Pathogenic (1 of 4 stars; one submission).

Conditions:
Cerebral cavernous malformation 2. Also called: Familial Cerebral Cavernous Malformation 2. Identifiers: Orphanet 221061, MedGen C1864041, MONDO:0011304, OMIM 603284.

Submission:

Labcorp Genetics (formerly Invitae), Labcorp
Classification: Pathogenic for Cerebral cavernous malformation 2. Last evaluated: 2025-06-27. Review status: criteria provided, single submitter. Criteria: Invitae Variant Classification Sherloc (09022015). Collection method: clinical testing. Allele origin: germline.
Comment: This sequence change creates a premature translational stop signal (p.Leu349Argfs*5) in the CCM2 gene. While this is not anticipated to result in nonsense mediated decay, it is expected to disrupt the last 96 amino acid(s) of the CCM2 protein. This variant is not present in population databases (gnomAD no frequency). This variant has not been reported in the literature in individuals affected with CCM2-related conditions. This variant disrupts a region of the CCM2 protein in which other variant(s) (p.Glu417Glyfs*3) have been determined to be pathogenic (PMID: 14740320). This suggests that this is a clinically significant region of the protein, and that variants that disrupt it are likely to be disease-causing. For these reasons, this variant has been classified as Pathogenic.

Literature cited by the submitters: PubMed 14740320.